The following is an entry in ClinVar:

ClinVar aggregate classification (germline): Pathogenic/Likely pathogenic. Review status: criteria provided, multiple submitters, no conflicts (2 of 4 stars). 2 submissions from 2 submitters: Pathogenic (1); Likely pathogenic (1). Last evaluated 2026-01-28.

Conditions:
Bardet-Biedl syndrome (BBS). Identifiers: Orphanet 110, MedGen C0752166, MONDO:0015229.
Bardet-Biedl syndrome 10 (BBS10). Identifiers: Orphanet 110, MedGen C1859568, MONDO:0014438, OMIM 615987.

Submissions (2):

Labcorp Genetics (formerly Invitae), Labcorp
Classification: Pathogenic for Bardet-Biedl syndrome. Last evaluated: 2026-01-28. Review status: criteria provided, single submitter. Criteria: Invitae Variant Classification Sherloc (09022015). Collection method: clinical testing. Allele origin: germline.
Comment: This sequence change creates a premature translational stop signal (p.Ser4Ilefs*9) in the BBS10 gene. It is expected to result in an absent or disrupted protein product. Loss-of-function variants in BBS10 are known to be pathogenic (PMID: 26273430, 27659767). This variant is not present in population databases (gnomAD no frequency). This variant has not been reported in the literature in individuals affected with BBS10-related conditions. ClinVar contains an entry for this variant (Variation ID: 2679982). Algorithms developed to predict the effect of sequence changes on RNA splicing suggest that this variant may create or strengthen a splice site. For these reasons, this variant has been classified as Pathogenic.

Baylor Genetics
Classification: Likely pathogenic for Bardet-Biedl syndrome 10. Last evaluated: 2022-06-29. Review status: criteria provided, single submitter. Criteria: ACMG Guidelines, 2015. Collection method: clinical testing. Allele origin: unknown.

Literature cited by the submitters: PubMed 26273430 (cited by Labcorp Genetics (formerly Invitae), Labcorp); PubMed 27659767 (cited by Labcorp Genetics (formerly Invitae), Labcorp).

NM_024685.4(BBS10):c.9_10insAT (p.Ser4fs)

Gene: BBS10 (Bardet-Biedl syndrome 10; minus strand). Cytogenetic location: 12q21.2.
Variant type: Insertion.
Coding change: c.9_10insAT on transcript NM_024685.4 (MANE Select); coding-DNA positions 9 to 10, AT inserted.
Protein change: p.Ser4fs; shifts the reading frame from serine 4.
Molecular consequence: frameshift variant.
Genome position: GRCh38 VCF-style: chr12-76348349-A-AAT. GRCh37 (hg19) VCF-style: chr12-76742129-A-AAT.
Other names: short protein forms S4fs.
Identifiers: ClinVar variation 2679982 (VCV002679982.4), dbSNP rs2540957989, ClinGen allele CA2695199121.
Genomic context (GRCh38, chr12:76,348,349, plus strand): 5'-TGGCTTCCAGCACCTCGGCCACCTGCAACGCCGCCTTCACAGACCCTGCAGCGGCCATAG[A>AAT]ACTTAACATATCTGGGCCGCTTCCCCTTTTTGACCAGCTTGCAGAACACCCGGGCCGACC-3'